The following is an entry in ClinVar:

NM_001099922.3(ALG13):c.2401+9G>T

Gene: ALG13 (ALG13 UDP-N-acetylglucosaminyltransferase subunit; plus strand). Cytogenetic location: Xq23.
Variant type: single nucleotide variant.
Coding change: c.2401+9G>T on transcript NM_001099922.3 (MANE Select); 9 bases into the intron after coding-DNA position 2401, G replaced by T.
Molecular consequence: intron variant.
Genome position (GRCh38, 1-based): chrX:111,730,436, G>T. VCF-style: chrX-111730436-G-T. GRCh37 (hg19) VCF-style: chrX-110973664-G-T.
Other names: c.2089+9G>T (NM_001257237.2, NM_001257234.2, NM_001257230.2); c.1915+9G>T (NM_001324293.1); c.2167+9G>T (NM_001257231.2); c.2401+9G>T (NM_001324292.2).
Identifiers: ClinVar variation 681585 (VCV000681585.12), dbSNP rs1036320277, ClinGen allele CA334444725.
Genomic context (GRCh38, chrX:111,730,436, plus strand): 5'-TCTTGTCTTTTTTCCCCAGGGCGATATCATGAAGAATATCTTTATCGTGCAGGTCAGTAA[G>T]ATCTAGAAGTGATCTGGCATTCATCATTGTTTATAGAATTTCAAGCTATAAAATAATGCT-3'

ClinVar aggregate classification (germline): Likely benign. Review status: criteria provided, multiple submitters, no conflicts (2 of 4 stars). 3 submissions from 3 submitters: Likely benign (3). Last evaluated 2026-01-27.

Conditions:
Developmental and epileptic encephalopathy, 36 (DEE36). Also called: ALG13-CDG; Epileptic encephalopathy, early infantile, 36; Congenital disorder of glycosylation, type Is. Identifiers: Orphanet 324422, MedGen C4317295, MONDO:0010472, OMIM 300884.

Allele frequency attached by ClinVar (database versions not stated): gnomAD exomes 0.00001; TOPMed 0.00002; gnomAD 0.00003.
gnomAD v4.1: 15 of 1,203,825 alleles (0.0012%); highest among the groups gnomAD compares: Non-Finnish European, 0.0017%; no homozygotes.

Submissions (3):

Women's Health and Genetics/Laboratory Corporation of America, LabCorp
Classification: Likely benign. Last evaluated: 2026-01-27. Review status: criteria provided, single submitter. Criteria: LabCorp Variant Classification Summary - May 2015. Collection method: clinical testing. Allele origin: germline.

Labcorp Genetics (formerly Invitae), Labcorp
Classification: Likely benign for Developmental and epileptic encephalopathy, 36. Last evaluated: 2025-05-30. Review status: criteria provided, single submitter. Criteria: Invitae Variant Classification Sherloc (09022015). Collection method: clinical testing. Allele origin: germline.

GeneDx
Classification: Likely benign. Last evaluated: 2018-04-17. Review status: criteria provided, single submitter. Criteria: GeneDx Variant Classification (06012015). Collection method: clinical testing. Allele origin: germline. Affected: yes.
Comment: This variant is considered likely benign or benign based on one or more of the following criteria: it is a conservative change, it occurs at a poorly conserved position in the protein, it is predicted to be benign by multiple in silico algorithms, and/or has population frequency not consistent with disease.